The following is an entry in ClinVar:

ClinVar aggregate classification (germline): Uncertain significance (1 of 4 stars; one submission).

Submission:

Women's Health and Genetics/Laboratory Corporation of America, LabCorp
Classification: Uncertain significance. Last evaluated: 2023-07-07. Review status: criteria provided, single submitter. Criteria: LabCorp Variant Classification Summary - May 2015. Collection method: clinical testing. Allele origin: germline.
Comment: Variant summary: GNPTG c.754C>T (p.Leu252Phe) results in a non-conservative amino acid change in the encoded protein sequence. Three of five in-silico tools predict a benign effect of the variant on protein function. The variant was absent in 251160 control chromosomes (gnomAD). The available data on variant occurrences in the general population are insufficient to allow any conclusion about variant significance. To our knowledge, no occurrence of c.754C>T in individuals affected with Mucolipidosis III Gamma and no experimental evidence demonstrating its impact on protein function have been reported. No submitters have cited clinical-significance assessments for this variant to ClinVar after 2014. Based on the evidence outlined above, the variant was classified as uncertain significance.

NM_032520.5(GNPTG):c.754C>T (p.Leu252Phe)

Gene: GNPTG (N-acetylglucosamine-1-phosphate transferase subunit gamma; plus strand). Cytogenetic location: 16p13.3.
Variant type: single nucleotide variant.
Coding change: c.754C>T on transcript NM_032520.5 (MANE Select); coding-DNA position 754, C replaced by T.
Protein change: p.Leu252Phe; replaces leucine 252 with phenylalanine.
Molecular consequence: missense variant.
Genome position (GRCh38, 1-based): chr16:1,362,837, C>T. VCF-style: chr16-1362837-C-T. GRCh37 (hg19) VCF-style: chr16-1412838-C-T.
Other names: short protein forms L252F.
Identifiers: ClinVar variation 2577167 (VCV002577167.1), dbSNP rs1489972937, ClinGen allele CA394188691.